The following is an entry in ClinVar:

NM_001164508.2(NEB):c.24092A>G (p.His8031Arg)

Genes: NEB (nebulin; minus strand), RIF1 (replication timing regulatory factor 1; plus strand). Cytogenetic location: 2q23.3.
Variant type: single nucleotide variant.
Coding change: c.24092A>G on transcript NM_001164508.2 (MANE Select); coding-DNA position 24092, A replaced by G.
Protein change: p.His8031Arg; replaces histidine 8031 with arginine.
Molecular consequence: missense variant. On other transcripts: intron variant (1).
Genome position (GRCh38, 1-based): chr2:151,499,320, T>C on the plus strand (A>G on the coding strand, the complement: NEB is on the minus strand). VCF-style: chr2-151499320-T-C. GRCh37 (hg19) VCF-style: chr2-152355834-T-C.
Other names: c.24092A>G, p.His8031Arg (NM_001164507.2); c.24197A>G, p.His8066Arg (NM_001271208.2); c.18826-2952A>G (NM_004543.5); short protein forms H8031R, H8066R.
Identifiers: ClinVar variation 4809860 (VCV004809860.1).

ClinVar aggregate classification (germline): Uncertain significance (1 of 4 stars; one submission).

Conditions:
Nemaline myopathy 2 (NEM2). Also called: Nemaline myopathy 2, autosomal recessive. Identifiers: MedGen C1850569, MONDO:0009725, OMIM 256030.

gnomAD v4.1: 2 of 1,531,738 alleles (0.00013%); highest among the groups gnomAD compares: Non-Finnish European, 0.00018%; no homozygotes.

Submission:

Labcorp Genetics (formerly Invitae), Labcorp
Classification: Uncertain significance for Nemaline myopathy 2. Last evaluated: 2025-02-04. Review status: criteria provided, single submitter. Criteria: Invitae Variant Classification Sherloc (09022015). Collection method: clinical testing. Allele origin: germline.
Comment: This sequence change replaces histidine, which is basic and polar, with arginine, which is basic and polar, at codon 8066 of the NEB protein (p.His8066Arg). This variant is not present in population databases (gnomAD no frequency). This variant has not been reported in the literature in individuals affected with NEB-related conditions. Experimental studies and prediction algorithms are not available or were not evaluated, and the functional significance of this variant is currently unknown. In summary, the available evidence is currently insufficient to determine the role of this variant in disease. Therefore, it has been classified as a Variant of Uncertain Significance.